The following is an entry in ClinVar:

ClinVar aggregate classification (germline): Likely benign. Review status: criteria provided, multiple submitters, no conflicts (2 of 4 stars). 2 submissions from 2 submitters: Likely benign (2). Last evaluated 2024-12-10.

Conditions:
Inborn genetic diseases. Identifiers: MedGen C0950123, MeSH D030342.

Allele frequency attached by ClinVar (database versions not stated): TOPMed 0.00014; gnomAD 0.00017; gnomAD exomes 0.00019; ExAC 0.00020; ESP Exome Variant Server 0.00031.
gnomAD v4.1: 301 of 1,612,172 alleles (0.019%); highest among the groups gnomAD compares: East Asian, 0.025%; no homozygotes.

Submissions (2):

Ambry Genetics
Classification: Likely benign for Inborn genetic diseases. Last evaluated: 2024-12-10. Review status: criteria provided, single submitter. Criteria: Ambry Variant Classification Scheme 2023. Collection method: clinical testing. Allele origin: germline.

CeGaT Center for Human Genetics Tuebingen
Classification: Likely benign. Last evaluated: 2024-08-01. Review status: criteria provided, single submitter. Criteria: CeGaT Center For Human Genetics Tuebingen Variant Classification Criteria Version 2. Collection method: clinical testing. Allele origin: germline. Affected: yes. Observed: 1 variant allele.
Comment: BRSK2: BS1

Literature cited by the submitters: PubMed 28518168 (cited by Ambry Genetics); PubMed 32461654 (cited by Ambry Genetics).

NM_001256627.2(BRSK2):c.1171G>A (p.Gly391Ser)

Gene: BRSK2 (BR serine/threonine kinase 2; plus strand). Cytogenetic location: 11p15.5.
Variant type: single nucleotide variant.
Coding change: c.1171G>A on transcript NM_001256627.2 (MANE Select); coding-DNA position 1171, G replaced by A.
Protein change: p.Gly391Ser; replaces glycine 391 with serine.
Molecular consequence: missense variant. On other transcripts: non-coding transcript variant (1).
Genome position (GRCh38, 1-based): chr11:1,445,852, G>A. VCF-style: chr11-1445852-G-A. GRCh37 (hg19) VCF-style: chr11-1467082-G-A.
Other names: c.1171G>A, p.Gly391Ser (NM_001256629.2, NM_003957.4); c.1309G>A, p.Gly437Ser (NM_001256630.1); c.991G>A, p.Gly331Ser (NM_001282218.2); short protein forms G331S, G391S, G437S.
Identifiers: ClinVar variation 2273553 (VCV002273553.19), dbSNP rs201204162, ClinGen allele CA5810849.